The following is an entry in ClinVar:

ClinVar aggregate classification (germline): Uncertain significance (1 of 4 stars; one submission).

Conditions:
Hereditary cancer-predisposing syndrome. Also called: Neoplastic Syndromes, Hereditary; Hereditary Cancer Syndrome; Hereditary neoplastic syndrome; Tumor predisposition. Identifiers: Orphanet 140162, MedGen C0027672, MeSH D009386, MONDO:0015356.

Submission:

Ambry Genetics
Classification: Uncertain significance for Hereditary cancer-predisposing syndrome. Last evaluated: 2023-05-27. Review status: criteria provided, single submitter. Criteria: Ambry Variant Classification Scheme 2023. Collection method: clinical testing. Allele origin: germline.
Comment: The p.C90G variant (also known as c.268T>G), located in coding exon 1 of the HOXB13 gene, results from a T to G substitution at nucleotide position 268. The cysteine at codon 90 is replaced by glycine, an amino acid with highly dissimilar properties. This amino acid position is conserved. In addition, this alteration is predicted to be deleterious by in silico analysis. Since supporting evidence is limited at this time, the clinical significance of this alteration remains unclear.

NM_006361.6(HOXB13):c.268T>G (p.Cys90Gly)

Gene: HOXB13 (homeobox B13; minus strand). Cytogenetic location: 17q21.32.
Variant type: single nucleotide variant.
Coding change: c.268T>G on transcript NM_006361.6 (MANE Select); coding-DNA position 268, T replaced by G.
Protein change: p.Cys90Gly; replaces cysteine 90 with glycine.
Molecular consequence: missense variant.
Genome position (GRCh38, 1-based): chr17:48,728,326, A>C on the plus strand (T>G on the coding strand, the complement: HOXB13 is on the minus strand). VCF-style: chr17-48728326-A-C. GRCh37 (hg19) VCF-style: chr17-46805688-A-C.
Other names: short protein forms C90G.
Identifiers: ClinVar variation 2563740 (VCV002563740.2), dbSNP rs2509515554, ClinGen allele CA400107800.